The following is an entry in ClinVar:

NM_001083614.2(EARS2):c.293C>T (p.Ala98Val)

Gene: EARS2 (glutamyl-tRNA synthetase 2, mitochondrial; minus strand). Cytogenetic location: 16p12.2.
Variant type: single nucleotide variant.
Coding change: c.293C>T on transcript NM_001083614.2 (MANE Select); coding-DNA position 293, C replaced by T.
Protein change: p.Ala98Val; replaces alanine 98 with valine.
Molecular consequence: missense variant. On other transcripts: non-coding transcript variant (1).
Genome position (GRCh38, 1-based): chr16:23,552,151, G>A on the plus strand (C>T on the coding strand, the complement: EARS2 is on the minus strand). VCF-style: chr16-23552151-G-A. GRCh37 (hg19) VCF-style: chr16-23563472-G-A.
Other names: c.293C>T, p.Ala98Val (NM_001308211.1); short protein forms A98V.
Identifiers: ClinVar variation 452150 (VCV000452150.3), dbSNP rs1555504716, ClinGen allele CA395140505.
Genomic context (GRCh38, chr16:23,552,151, plus strand): 5'-TCCTTTTCCTGCTTCCTGTTCCTTCCCTGCAGAAAGATCCTTTCTCTGCCAGGCTTACCT[G>A]CCCACTCCAGCATGTCCTCAATATTCTCCGCTGCCCCAGGCACAACGCGAGTCTGATCTG-3'
Protein context (NP_001077083.1, residues 88-108): AENIEDMLEW[Ala98Val]GIPPDESPRR

ClinVar aggregate classification (germline): Likely pathogenic (1 of 4 stars; one submission).

Submission:

GeneDx
Classification: Likely pathogenic. Last evaluated: 2020-10-12. Review status: criteria provided, single submitter. Criteria: GeneDx Variant Classification Process June 2021. Collection method: clinical testing. Allele origin: germline. Affected: yes.
Comment: Not observed in large population cohorts (Lek et al., 2016); Missense variants in this gene are often considered pathogenic (Stenson et al., 2014); In silico analysis supports that this missense variant has a deleterious effect on protein structure/function; In silico analysis supports that this missense variant has a deleterious effect on splicing; This variant is associated with the following publications: (PMID: 31487502, 32071833)